The following is an entry in ClinVar:

NM_000100.4(CSTB):c.168+5A>G

Gene: CSTB (cystatin B; minus strand). Cytogenetic location: 21q22.3.
Variant type: single nucleotide variant.
Coding change: c.168+5A>G on transcript NM_000100.4 (MANE Select); 5 bases into the intron after coding-DNA position 168, A replaced by G.
Molecular consequence: intron variant.
Genome position (GRCh38, 1-based): chr21:43,774,653, T>C on the plus strand (A>G on the coding strand, the complement: CSTB is on the minus strand). VCF-style: chr21-43774653-T-C. GRCh37 (hg19) VCF-style: chr21-45194534-T-C.
Identifiers: ClinVar variation 1923544 (VCV001923544.5), dbSNP rs775447833, ClinGen allele CA749624330.

ClinVar aggregate classification (germline): Uncertain significance (1 of 4 stars; one submission).

Conditions:
Progressive myoclonic epilepsy. Also called: Familial progressive myoclonic epilepsy; Myoclonic Epilepsies, Progressive; Myoclonus epilepsy; Progressive myoclonus epilepsy. Identifiers: Orphanet 308, Orphanet 98261, MedGen C0751778, MONDO:0020074.

Allele frequency attached by ClinVar (database versions not stated): TOPMed below 0.00001; gnomAD 0.00001.
gnomAD v4.1: 32 of 1,612,136 alleles (0.002%); highest among the groups gnomAD compares: Non-Finnish European, 0.0026%; no homozygotes.

Submission:

Labcorp Genetics (formerly Invitae), Labcorp
Classification: Uncertain significance for Progressive myoclonic epilepsy. Last evaluated: 2022-03-01. Review status: criteria provided, single submitter. Criteria: Invitae Variant Classification Sherloc (09022015). Collection method: clinical testing. Allele origin: germline.
Comment: This variant is not present in population databases (gnomAD no frequency). This sequence change falls in intron 2 of the CSTB gene. It does not directly change the encoded amino acid sequence of the CSTB protein. It affects a nucleotide within the consensus splice site. This variant has not been reported in the literature in individuals affected with CSTB-related conditions. In summary, the available evidence is currently insufficient to determine the role of this variant in disease. Therefore, it has been classified as a Variant of Uncertain Significance. Variants that disrupt the consensus splice site are a relatively common cause of aberrant splicing (PMID: 17576681, 9536098). Algorithms developed to predict the effect of sequence changes on RNA splicing suggest that this variant is not likely to affect RNA splicing.

Literature cited by the submitters: PubMed 17576681; PubMed 9536098.